The following is an entry in ClinVar:

NM_001165963.4(SCN1A):c.5104G>C (p.Asp1702His)

Genes: SCN1A (sodium voltage-gated channel alpha subunit 1; minus strand), LOC102724058 (uncharacterized LOC102724058; plus strand). Cytogenetic location: 2q24.3.
Variant type: single nucleotide variant.
Coding change: c.5104G>C on transcript NM_001165963.4 (MANE Select); coding-DNA position 5104, G replaced by C.
Protein change: p.Asp1702His; replaces aspartic acid 1702 with histidine.
Molecular consequence: missense variant. On other transcripts: non-coding transcript variant (1).
Genome position (GRCh38, 1-based): chr2:165,992,171, C>G on the plus strand (G>C on the coding strand, the complement: SCN1A is on the minus strand). VCF-style: chr2-165992171-C-G. GRCh37 (hg19) VCF-style: chr2-166848681-C-G.
Other names: c.5071G>C, p.Asp1691His (NM_001353952.2, NM_006920.6, NM_001353949.2 and 2 more transcripts); c.5068G>C, p.Asp1690His (NM_001353954.2, NM_001353955.2); c.5020G>C, p.Asp1674His (NM_001353957.2, NM_001353958.2, NM_001165964.3); c.5017G>C, p.Asp1673His (NM_001353960.2); c.2662G>C, p.Asp888His (NM_001353961.2); c.5104G>C, p.Asp1702His (NM_001202435.3, NM_001353948.2); short protein forms D1674H, D1690H, D1691H, D1702H, D888H, D1673H.
Identifiers: ClinVar variation 2734299 (VCV002734299.3), dbSNP rs748333147, ClinGen allele CA349069195.

ClinVar aggregate classification (germline): Uncertain significance (1 of 4 stars; one submission).

Conditions:
Early-infantile DEE. Also called: Early infantile epileptic encephalopathy; Early infantile epileptic encephalopathy with suppression bursts; Ohtahara syndrome. Identifiers: Orphanet 1934, MedGen C0393706, MONDO:0800491.

Submission:

Labcorp Genetics (formerly Invitae), Labcorp
Classification: Uncertain significance for Early-infantile DEE. Last evaluated: 2025-06-22. Review status: criteria provided, single submitter. Criteria: Invitae Variant Classification Sherloc (09022015). Collection method: clinical testing. Allele origin: germline.
Comment: This sequence change replaces aspartic acid, which is acidic and polar, with histidine, which is basic and polar, at codon 1702 of the SCN1A protein (p.Asp1702His). This variant is not present in population databases (gnomAD no frequency). This missense change has been observed in individual(s) with SCN1A-related condition (PMID: 28202706; internal data). ClinVar contains an entry for this variant (Variation ID: 2734299). Invitae Evidence Modeling of protein sequence and biophysical properties (such as structural, functional, and spatial information, amino acid conservation, physicochemical variation, residue mobility, and thermodynamic stability) indicates that this missense variant is expected to disrupt SCN1A protein function with a positive predictive value of 95%. This variant disrupts the p.Asp1702 amino acid residue in SCN1A. Other variant(s) that disrupt this residue have been observed in individuals with SCN1A-related conditions (PMID: 30660939; internal data), which suggests that this may be a clinically significant amino acid residue. In summary, the available evidence is currently insufficient to determine the role of this variant in disease. Therefore, it has been classified as a Variant of Uncertain Significance.

Literature cited by the submitters: PubMed 28202706; PubMed 30660939.